The following is an entry in ClinVar:

NM_004722.4(AP4M1):c.975-14C>T

Gene: AP4M1 (adaptor related protein complex 4 subunit mu 1; plus strand). Cytogenetic location: 7q22.1.
Variant type: single nucleotide variant.
Coding change: c.975-14C>T on transcript NM_004722.4 (MANE Select); 14 bases into the intron before coding-DNA position 975, C replaced by T.
Molecular consequence: intron variant.
Genome position (GRCh38, 1-based): chr7:100,106,227, C>T. VCF-style: chr7-100106227-C-T. GRCh37 (hg19) VCF-style: chr7-99703850-C-T.
Other names: c.996-14C>T (NM_001363671.2).
Identifiers: ClinVar variation 669080 (VCV000669080.10), dbSNP rs370610939, ClinGen allele CA4374908.

ClinVar aggregate classification (germline): Likely benign. Review status: criteria provided, multiple submitters, no conflicts (2 of 4 stars). 2 submissions from 2 submitters: Likely benign (2). Last evaluated 2025-09-13.

Conditions:
Hereditary spastic paraplegia 50 (SPG50). Also called: Spastic paraplegia 50, autosomal recessive. Identifiers: Orphanet 280763, MedGen C2752008, MONDO:0013048, OMIM 612936.

Allele frequency attached by ClinVar (database versions not stated): gnomAD exomes 0.00010; ExAC 0.00013; gnomAD 0.00013 and 0.00014; TOPMed 0.00019; ESP Exome Variant Server 0.00023.
gnomAD v4.1: 190 of 1,614,048 alleles (0.012%); highest among the groups gnomAD compares: Middle Eastern, 0.13%; no homozygotes.

Submissions (2):

Labcorp Genetics (formerly Invitae), Labcorp
Classification: Likely benign for Hereditary spastic paraplegia 50. Last evaluated: 2025-09-13. Review status: criteria provided, single submitter. Criteria: Invitae Variant Classification Sherloc (09022015). Collection method: clinical testing. Allele origin: germline.

GeneDx
Classification: Likely benign. Last evaluated: 2018-06-01. Review status: criteria provided, single submitter. Criteria: GeneDx Variant Classification (06012015). Collection method: clinical testing. Allele origin: germline. Affected: yes.
Comment: This variant is considered likely benign or benign based on one or more of the following criteria: it is a conservative change, it occurs at a poorly conserved position in the protein, it is predicted to be benign by multiple in silico algorithms, and/or has population frequency not consistent with disease.